The following is an entry in ClinVar:

ClinVar aggregate classification (germline): Uncertain significance (1 of 4 stars; one submission).

Submission:

Labcorp Genetics (formerly Invitae), Labcorp
Classification: Uncertain significance. Last evaluated: 2024-10-21. Review status: criteria provided, single submitter. Criteria: Invitae Variant Classification Sherloc (09022015). Collection method: clinical testing. Allele origin: germline.
Comment: This sequence change replaces phenylalanine, which is neutral and non-polar, with leucine, which is neutral and non-polar, at codon 349 of the TCF3 protein (p.Phe349Leu). This variant is not present in population databases (gnomAD no frequency). This variant has not been reported in the literature in individuals affected with TCF3-related conditions. Invitae Evidence Modeling of protein sequence and biophysical properties (such as structural, functional, and spatial information, amino acid conservation, physicochemical variation, residue mobility, and thermodynamic stability) indicates that this missense variant is expected to disrupt TCF3 protein function with a positive predictive value of 80%. In summary, the available evidence is currently insufficient to determine the role of this variant in disease. Therefore, it has been classified as a Variant of Uncertain Significance.

NM_003200.5(TCF3):c.1047C>A (p.Phe349Leu)

Gene: TCF3 (transcription factor 3; minus strand). Cytogenetic location: 19p13.3.
Variant type: single nucleotide variant.
Coding change: c.1047C>A on transcript NM_003200.5 (MANE Select); coding-DNA position 1047, C replaced by A.
Protein change: p.Phe349Leu; replaces phenylalanine 349 with leucine.
Molecular consequence: missense variant.
Genome position (GRCh38, 1-based): chr19:1,621,014, G>T on the plus strand (C>A on the coding strand, the complement: TCF3 is on the minus strand). VCF-style: chr19-1621014-G-T. GRCh37 (hg19) VCF-style: chr19-1621013-G-T.
Other names: c.1047C>A, p.Phe349Leu (NM_001136139.4, NM_001351778.2, NM_001351779.2); short protein forms F349L.
Identifiers: ClinVar variation 3665705 (VCV003665705.2).